The following is an entry in ClinVar:

ClinVar aggregate classification (germline): Conflicting classifications of pathogenicity. Review status: criteria provided, conflicting classifications (1 of 4 stars). 7 submissions from 7 submitters: Likely pathogenic (1); Uncertain significance (6). Last evaluated 2025-11-17.

Conditions:
KIT-related disorder. Also called: KIT-related condition.
Hereditary cancer-predisposing syndrome. Also called: Neoplastic Syndromes, Hereditary; Tumor predisposition; Hereditary Cancer Syndrome; Hereditary neoplastic syndrome. Identifiers: Orphanet 140162, MedGen C0027672, MeSH D009386, MONDO:0015356.
Ovarian cancer. Also called: OVARIAN CANCER, SOMATIC. Identifiers: Orphanet 213500, MedGen C1140680, MONDO:0008170, OMIM 167000.
Gastrointestinal stromal tumor. Also called: Gastrointestinal stroma tumor; Gastrointestinal stromal tumor, somatic. Identifiers: Orphanet 44890, MedGen C0238198, MeSH D046152, MONDO:0011719, OMIM 606764, HP:0100723.

Allele frequency attached by ClinVar (database versions not stated): gnomAD exomes below 0.00001; gnomAD 0.00001; TOPMed 0.00001.
gnomAD v4.1: 15 of 1,613,984 alleles (0.00093%); highest among the groups gnomAD compares: East Asian, 0.0067%; no homozygotes.

Submissions (7):

Labcorp Genetics (formerly Invitae), Labcorp
Classification: Uncertain significance for Gastrointestinal stromal tumor. Last evaluated: 2025-11-17. Review status: criteria provided, single submitter. Criteria: Invitae Variant Classification Sherloc (09022015). Collection method: clinical testing. Allele origin: germline.
Comment: This sequence change replaces asparagine, which is neutral and polar, with serine, which is neutral and polar, at codon 958 of the KIT protein (p.Asn958Ser). This variant is present in population databases (no rsID available, gnomAD 0.005%). This variant has not been reported in the literature in individuals affected with KIT-related conditions. ClinVar contains an entry for this variant (Variation ID: 409772). An algorithm developed to predict the effect of missense changes on protein structure and function (PolyPhen-2) suggests that this variant is likely to be disruptive. In summary, the available evidence is currently insufficient to determine the role of this variant in disease. Therefore, it has been classified as a Variant of Uncertain Significance.

Ambry Genetics
Classification: Uncertain significance for Hereditary cancer-predisposing syndrome. Last evaluated: 2025-10-30. Review status: criteria provided, single submitter. Criteria: Ambry Variant Classification Scheme 2023. Collection method: clinical testing. Allele origin: germline.
Comment: The p.N958S variant (also known as c.2873A>G), located in coding exon 21 of the KIT gene, results from an A to G substitution at nucleotide position 2873. The asparagine at codon 958 is replaced by serine, an amino acid with highly similar properties. This amino acid position is highly conserved in available vertebrate species. In addition, this alteration is predicted to be tolerated by in silico analysis. Since supporting evidence is limited at this time, the clinical significance of this alteration remains unclear.

PreventionGenetics, part of Exact Sciences
Classification: Uncertain significance for KIT-related condition. Last evaluated: 2025-09-16. Review status: criteria provided, single submitter. Criteria: ACMG Guidelines, 2015. Collection method: clinical testing. Allele origin: germline.
Comment: The KIT c.2873A>G variant is predicted to result in the amino acid substitution p.Asn958Ser. To our knowledge, this variant has not been reported in the literature. This variant is reported in 0.0050% of alleles in individuals of East Asian descent in gnomAD. At this time, the clinical significance of this variant is uncertain due to the absence of conclusive functional and genetic evidence.

GeneDx
Classification: Uncertain significance. Last evaluated: 2024-08-14. Review status: criteria provided, single submitter. Criteria: GeneDx Variant Classification Process June 2021. Collection method: clinical testing. Allele origin: germline. Affected: yes.
Comment: Not observed at significant frequency in large population cohorts (gnomAD); In silico analysis indicates that this missense variant does not alter protein structure/function; Has not been previously published as pathogenic or benign to our knowledge

Baylor Genetics
Classification: Uncertain significance for Gastrointestinal stromal tumor. Last evaluated: 2023-12-18. Review status: criteria provided, single submitter. Criteria: ACMG Guidelines, 2015. Collection method: clinical testing. Allele origin: unknown.

Laboratory of Molecular Epidemiology of Birth Defects, West China Second University Hospital, Sichuan University
Classification: Likely pathogenic for Ovarian cancer. Last evaluated: 2022-01-01. Review status: criteria provided, single submitter. Criteria: ACMG Guidelines, 2015. Collection method: clinical testing. Allele origin: germline. Affected: yes.

Institute for Clinical Genetics, University Hospital TU Dresden, University Hospital TU Dresden
Classification: Uncertain significance. Last evaluated: 2021-11-03. Review status: criteria provided, single submitter. Criteria: ACMG Guidelines, 2015. Collection method: clinical testing. Allele origin: germline.

NM_000222.3(KIT):c.2873A>G (p.Asn958Ser)

Gene: KIT (KIT proto-oncogene, receptor tyrosine kinase; plus strand). Cytogenetic location: 4q12.
Variant type: single nucleotide variant.
Coding change: c.2873A>G on transcript NM_000222.3 (MANE Select); coding-DNA position 2873, A replaced by G.
Protein change: p.Asn958Ser; replaces asparagine 958 with serine.
Molecular consequence: missense variant.
Genome position (GRCh38, 1-based): chr4:54,738,499, A>G. VCF-style: chr4-54738499-A-G. GRCh37 (hg19) VCF-style: chr4-55604665-A-G.
Other names: c.2861A>G, p.Asn954Ser (NM_001093772.2, NM_001385292.1); c.2876A>G, p.Asn959Ser (NM_001385284.1); c.2870A>G, p.Asn957Ser (NM_001385285.1); c.2858A>G, p.Asn953Ser (NM_001385286.1); c.2864A>G, p.Asn955Ser (NM_001385288.1); c.2873A>G, p.Asn958Ser (NM_001385290.1); short protein forms N958S, N954S, N953S, N955S, N957S, N959S.
Identifiers: ClinVar variation 409772 (VCV000409772.25), dbSNP rs1060502563, ClinGen allele CA16611715.